The following is an entry in ClinVar:

ClinVar aggregate classification (germline): Pathogenic (1 of 4 stars; one submission).

Conditions:
Alzahrani-Kuwahara syndrome. Also called: NEURODEVELOPMENTAL DISORDER WITH DYSMORPHIC FACIES AND CATARACTS. Identifiers: MedGen C5543274, MONDO:0859136, OMIM 619268.

Allele frequency attached by ClinVar (database versions not stated): ExAC 0.00001; TOPMed 0.00001; gnomAD exomes 0.00002.

Submission:

Women's Health and Genetics/Laboratory Corporation of America, LabCorp
Classification: Pathogenic for Alzahrani-Kuwahara syndrome. Last evaluated: 2023-10-05. Review status: criteria provided, single submitter. Criteria: LabCorp Variant Classification Summary - May 2015. Collection method: clinical testing. Allele origin: germline.
Comment: Variant summary: C17orf71 c.1667dupA (p.Tyr556X) results in a premature termination codon, predicted to cause a truncation of the encoded protein or absence of the protein due to nonsense mediated decay, which are commonly known mechanisms for disease. The variant was absent in 250864 control chromosomes. To our knowledge, no occurrence of c.1667dupA in individuals affected with Alzahrani-Kuwahara Syndrome and no experimental evidence demonstrating its impact on protein function have been reported. No submitters have cited clinical-significance assessments for this variant to ClinVar after 2014. Based on the evidence outlined above, the variant was classified as pathogenic.

NM_018149.7(SMG8):c.1667dup (p.Tyr556Ter)

Gene: SMG8 (SMG8 nonsense mediated mRNA decay factor; plus strand). Cytogenetic location: 17q22.
Variant type: Duplication.
Coding change: c.1667dup on transcript NM_018149.7 (MANE Select); coding-DNA position 1667, one base duplicated (A; older notation c.1667dupA).
Protein change: p.Tyr556Ter; replaces tyrosine 556 with a stop codon.
Molecular consequence: nonsense.
Genome position (GRCh38, 1-based): chr17:59,211,718, A duplicated. VCF-style (leftmost placement, unchanged base first): chr17-59211717-T-TA. GRCh37 (hg19) VCF-style: chr17-57289078-T-TA.
Other names: c.1667dupA (NM_018149.7); short protein forms Y556*.
Identifiers: ClinVar variation 2637611 (VCV002637611.1), dbSNP rs765683395, ClinGen allele CA8679617.